The following is an entry in ClinVar:

NM_004655.4(AXIN2):c.665G>A (p.Cys222Tyr)

Gene: AXIN2 (axin 2; minus strand). Cytogenetic location: 17q24.1.
Variant type: single nucleotide variant.
Coding change: c.665G>A on transcript NM_004655.4 (MANE Select); coding-DNA position 665, G replaced by A.
Protein change: p.Cys222Tyr; replaces cysteine 222 with tyrosine.
Molecular consequence: missense variant.
Genome position (GRCh38, 1-based): chr17:65,557,956, C>T on the plus strand (G>A on the coding strand, the complement: AXIN2 is on the minus strand). VCF-style: chr17-65557956-C-T. GRCh37 (hg19) VCF-style: chr17-63554074-C-T.
Other names: c.665G>A, p.Cys222Tyr (NM_001363813.1); short protein forms C222Y.
Identifiers: ClinVar variation 4533076 (VCV004533076.1).

ClinVar aggregate classification (germline): Uncertain significance (1 of 4 stars; one submission).

Submission:

Quest Diagnostics Nichols Institute San Juan Capistrano
Classification: Uncertain significance. Last evaluated: 2025-07-09. Review status: criteria provided, single submitter. Criteria: Quest Diagnostics criteria. Collection method: clinical testing. Allele origin: unknown.
Comment: The AXIN2 c.665G>A (p.Cys222Tyr) variant has not been reported in individuals with AXIN2-related conditions in the published literature. It also has not been reported in large, multi-ethnic general populations (Genome Aggregation Database). Analysis of this variant using bioinformatics tools for the prediction of the effect of amino acid changes on protein structure and function yielded conflicting predictions that this variant is benign or damaging. Based on the available information, we are unable to determine the clinical significance of this variant.